The following is an entry in ClinVar:

ClinVar aggregate classification (germline): Conflicting classifications of pathogenicity. Review status: criteria provided, conflicting classifications (1 of 4 stars). 2 submissions from 2 submitters: Uncertain significance (1); Likely benign (1). Last evaluated 2025-10-01.

Conditions:
Gorlin syndrome. Also called: Nevoid Basal Cell Carcinoma Syndrome; Basal cell nevus syndrome. Identifiers: Orphanet 377, MedGen C0004779, MONDO:0007187.

Allele frequency attached by ClinVar (database versions not stated): gnomAD exomes below 0.00001; gnomAD 0.00001.
gnomAD v4.1: 4 of 1,614,008 alleles (0.00025%); highest among the groups gnomAD compares: Non-Finnish European, 0.00025%; no homozygotes.

Submissions (2):

Labcorp Genetics (formerly Invitae), Labcorp
Classification: Likely benign for Gorlin syndrome. Last evaluated: 2025-10-01. Review status: criteria provided, single submitter. Criteria: Invitae Variant Classification Sherloc (09022015). Collection method: clinical testing. Allele origin: germline.

Quest Diagnostics Nichols Institute San Juan Capistrano
Classification: Uncertain significance. Last evaluated: 2023-12-15. Review status: criteria provided, single submitter. Criteria: Quest Diagnostics criteria. Collection method: clinical testing. Allele origin: unknown.
Comment: The PTCH1 c.1503+6A>G variant has not been reported in individuals with PTCH1-related conditions in the published literature. It also has not been reported in large, multi-ethnic general populations (Genome Aggregation Database). Analysis of this variant using software algorithms for the prediction of the effect of nucleotide changes on splicing yielded predictions that this variant does not affect PTCH1 mRNA splicing. Based on the available information, we are unable to determine the clinical significance of this variant.

NM_000264.5(PTCH1):c.1503+6A>G

Gene: PTCH1 (patched 1; minus strand). Cytogenetic location: 9q22.32.
Variant type: single nucleotide variant.
Coding change: c.1503+6A>G on transcript NM_000264.5 (MANE Select); 6 bases into the intron after coding-DNA position 1503, A replaced by G.
Molecular consequence: intron variant.
Genome position (GRCh38, 1-based): chr9:95,477,541, T>C on the plus strand (A>G on the coding strand, the complement: PTCH1 is on the minus strand). VCF-style: chr9-95477541-T-C. GRCh37 (hg19) VCF-style: chr9-98239823-T-C.
Other names: c.1503+6A>G (NM_000264.4); c.1500+6A>G (NM_001083603.3); c.1305+6A>G (NM_001083602.3); c.1347+514A>G (NM_001354918.2); c.1050+6A>G (NM_001083605.3, NM_001083604.3, NM_001083606.3 and 1 more transcripts).
Identifiers: ClinVar variation 842962 (VCV000842962.11), dbSNP rs1841148776, ClinGen allele CA916081534.